The following is an entry in ClinVar:

ClinVar aggregate classification (germline): Uncertain significance (1 of 4 stars; one submission).

Conditions:
Alstrom syndrome (ALMS). Identifiers: Orphanet 64, MedGen C0268425, MONDO:0008763, OMIM 203800.

Allele frequency attached by ClinVar (database versions not stated): gnomAD exomes below 0.00001.
gnomAD v4.1: 1 of 1,614,066 alleles (0.000062%); highest among the groups gnomAD compares: Non-Finnish European, 0.000085%; no homozygotes.

Submission:

Labcorp Genetics (formerly Invitae), Labcorp
Classification: Uncertain significance for Alstrom syndrome. Last evaluated: 2025-08-14. Review status: criteria provided, single submitter. Criteria: Invitae Variant Classification Sherloc (09022015). Collection method: clinical testing. Allele origin: germline.
Comment: This sequence change replaces serine, which is neutral and polar, with asparagine, which is neutral and polar, at codon 959 of the ALMS1 protein (p.Ser959Asn). This variant is not present in population databases (gnomAD no frequency). This variant has not been reported in the literature in individuals affected with ALMS1-related conditions. ClinVar contains an entry for this variant (Variation ID: 2038332). An algorithm developed to predict the effect of missense changes on protein structure and function outputs the following: PolyPhen-2: "Not Available". The asparagine amino acid residue is found in multiple mammalian species, which suggests that this missense change does not adversely affect protein function. In summary, the available evidence is currently insufficient to determine the role of this variant in disease. Therefore, it has been classified as a Variant of Uncertain Significance.

NM_001378454.1(ALMS1):c.2873G>A (p.Ser958Asn)

Gene: ALMS1 (ALMS1 centrosome and basal body associated protein; plus strand). Cytogenetic location: 2p13.1.
Variant type: single nucleotide variant.
Coding change: c.2873G>A on transcript NM_001378454.1 (MANE Select); coding-DNA position 2873, G replaced by A.
Protein change: p.Ser958Asn; replaces serine 958 with asparagine.
Molecular consequence: missense variant.
Genome position (GRCh38, 1-based): chr2:73,449,400, G>A. VCF-style: chr2-73449400-G-A. GRCh37 (hg19) VCF-style: chr2-73676527-G-A.
Other names: c.2876G>A, p.Ser959Asn (NM_015120.4); short protein forms S958N, S959N.
Identifiers: ClinVar variation 2038332 (VCV002038332.4), dbSNP rs1558648286, ClinGen allele CA347272647.
Genomic context (GRCh38, chr2:73,449,400, plus strand): 5'-CTGTATTGGCTGCCCAGAAGACTGGGACACCAACAGTGTCCTCTAATTCTCACTCACATA[G>A]CGAGAAATCTAGTGTTTTCTACCAGCAAGAGTTGCCAGACAGTGATCTACCTAGAGAATC-3'
Protein context (NP_001365383.1, residues 948-968): PTVSSNSHSH[Ser958Asn]EKSSVFYQQE